The following is an entry in ClinVar:

NM_000059.4(BRCA2):c.5409_5412del (p.Val1804fs)

Gene: BRCA2 (BRCA2 DNA repair associated; plus strand). Cytogenetic location: 13q13.1.
Variant type: Deletion.
Coding change: c.5409_5412del on transcript NM_000059.4 (MANE Select); coding-DNA positions 5409 to 5412, 4 bases deleted (TGTA; older notation c.5409_5412delTGTA).
Protein change: p.Val1804fs; shifts the reading frame from valine 1804.
Molecular consequence: frameshift variant.
Genome position (GRCh38, 1-based): chr13:32,339,764-32,339,767, TGTA deleted. VCF-style (leftmost placement, unchanged base first): chr13-32339763-CTGTA-C. GRCh37 (hg19) VCF-style: chr13-32913900-CTGTA-C.
Other names: c.5409_5412delTGTA (NM_000059.3); short protein forms V1804fs.
Identifiers: ClinVar variation 1069124 (VCV001069124.8), dbSNP rs2137517259, ClinGen allele CA2499222196.

ClinVar aggregate classification (germline): Pathogenic. Review status: criteria provided, multiple submitters, no conflicts (2 of 4 stars). 2 submissions from 2 submitters: Pathogenic (2). Last evaluated 2023-09-20.

Conditions:
Hereditary cancer-predisposing syndrome. Also called: Hereditary neoplastic syndrome; Tumor predisposition; Hereditary Cancer Syndrome; Neoplastic Syndromes, Hereditary. Identifiers: Orphanet 140162, MedGen C0027672, MeSH D009386, MONDO:0015356.
Hereditary breast ovarian cancer syndrome. Also called: Breast and ovarian cancer; BRCA1- and BRCA2-Associated Hereditary Breast and Ovarian Cancer; Hereditary breast and ovarian cancer syndrome; Hereditary breast and/or ovarian cancer syndrome; Hereditary breast and ovarian cancer; Hereditary breast and ovarian cancer syndrome (HBOC). Identifiers: Orphanet 145, MedGen C0677776, MeSH D061325, MONDO:0003582. Disease mechanism: loss of function.

Submissions (2):

Ambry Genetics
Classification: Pathogenic for Hereditary cancer-predisposing syndrome. Last evaluated: 2023-09-20. Review status: criteria provided, single submitter. Criteria: Ambry Variant Classification Scheme 2023. Collection method: clinical testing. Allele origin: germline.
Comment: The c.5409_5412delTGTA pathogenic mutation, located in coding exon 10 of the BRCA2 gene, results from a deletion of 4 nucleotides at nucleotide positions 5409 to 5412, causing a translational frameshift with a predicted alternate stop codon (p.V1804Mfs*10). This variant is considered to be rare based on population cohorts in the Genome Aggregation Database (gnomAD). This alteration is expected to result in loss of function by premature protein truncation or nonsense-mediated mRNA decay. As such, this alteration is interpreted as a disease-causing mutation.

Labcorp Genetics (formerly Invitae), Labcorp
Classification: Pathogenic for Hereditary breast ovarian cancer syndrome. Last evaluated: 2020-08-23. Review status: criteria provided, single submitter. Criteria: Invitae Variant Classification Sherloc (09022015). Collection method: clinical testing. Allele origin: germline.
Comment: For these reasons, this variant has been classified as Pathogenic. Loss-of-function variants in BRCA2 are known to be pathogenic (PMID: 20104584). This variant has not been reported in the literature in individuals with BRCA2-related conditions. This variant is not present in population databases (ExAC no frequency). This sequence change creates a premature translational stop signal (p.Val1804Metfs*10) in the BRCA2 gene. It is expected to result in an absent or disrupted protein product.

Literature cited by the submitters: PubMed 20104584 (cited by Labcorp Genetics (formerly Invitae), Labcorp).